The following is an entry in ClinVar:

ClinVar aggregate classification (germline): Uncertain significance (1 of 4 stars; one submission).

Submission:

Labcorp Genetics (formerly Invitae), Labcorp
Classification: Uncertain significance. Last evaluated: 2025-11-08. Review status: criteria provided, single submitter. Criteria: Invitae Variant Classification Sherloc (09022015). Collection method: clinical testing. Allele origin: germline.
Comment: This sequence change replaces glycine, which is neutral and non-polar, with cysteine, which is neutral and slightly polar, at codon 1331 of the ABCA4 protein (p.Gly1331Cys). This variant is not present in population databases (gnomAD no frequency). This variant has not been reported in the literature in individuals affected with ABCA4-related conditions. Invitae Evidence Modeling of protein sequence and biophysical properties (such as structural, functional, and spatial information, amino acid conservation, physicochemical variation, residue mobility, and thermodynamic stability) indicates that this missense variant is not expected to disrupt ABCA4 protein function with a negative predictive value of 80%. In summary, the available evidence is currently insufficient to determine the role of this variant in disease. Therefore, it has been classified as a Variant of Uncertain Significance.

NM_000350.3(ABCA4):c.3991G>T (p.Gly1331Cys)

Gene: ABCA4 (ATP binding cassette subfamily A member 4; minus strand). Cytogenetic location: 1p22.1.
Variant type: single nucleotide variant.
Coding change: c.3991G>T on transcript NM_000350.3 (MANE Select); coding-DNA position 3991, G replaced by T.
Protein change: p.Gly1331Cys; replaces glycine 1331 with cysteine.
Molecular consequence: missense variant.
Genome position (GRCh38, 1-based): chr1:94,031,915, C>A on the plus strand (G>T on the coding strand, the complement: ABCA4 is on the minus strand). VCF-style: chr1-94031915-C-A. GRCh37 (hg19) VCF-style: chr1-94497471-C-A.
Other names: c.3769G>T, p.Gly1257Cys (NM_001425324.1); short protein forms G1257C, G1331C.
Identifiers: ClinVar variation 4745902 (VCV004745902.1).